The following is an entry in ClinVar:

NM_181523.3(PIK3R1):c.374C>G (p.Pro125Arg)

Gene: PIK3R1 (phosphoinositide-3-kinase regulatory subunit 1; plus strand). Cytogenetic location: 5q13.1.
Variant type: single nucleotide variant.
Coding change: c.374C>G on transcript NM_181523.3 (MANE Select); coding-DNA position 374, C replaced by G.
Protein change: p.Pro125Arg; replaces proline 125 with arginine.
Molecular consequence: missense variant.
Genome position (GRCh38, 1-based): chr5:68,273,429, C>G. VCF-style: chr5-68273429-C-G. GRCh37 (hg19) VCF-style: chr5-67569257-C-G.
Other names: short protein forms P125R.
Identifiers: ClinVar variation 2941515 (VCV002941515.3), dbSNP rs1401537376, ClinGen allele CA359872594.
Genomic context (GRCh38, chr5:68,273,429, plus strand): 5'-GTGGGATTTTGTTGTTTGCAGCTTTGACTCTCCCGGATCTTGCAGAGCAGTTTGCCCCTC[C>G]TGACATTGCCCCGCCTCTTCTTATCAAGCTCGTGGAAGCCATTGAAAAGAAAGGTAACCA-3'
Protein context (NP_852664.1, residues 115-135): LPDLAEQFAP[Pro125Arg]DIAPPLLIKL

ClinVar aggregate classification (germline): Uncertain significance (1 of 4 stars; one submission).

Conditions:
SHORT syndrome. Also called: LIPODYSTROPHY, PARTIAL, WITH RIEGER ANOMALY AND SHORT STATURE; PIK3R1-Related SHORT Syndrome; SHORT STATURE, HYPEREXTENSIBILITY, HERNIA, OCULAR DEPRESSION, RIEGER ANOMALY, AND TEETHING DELAY. Identifiers: Orphanet 3163, MedGen C0878684, MONDO:0010026, OMIM 269880.
Agammaglobulinemia 7, autosomal recessive (AGM7). Also called: AGAMMAGLOBULINEMIA, AUTOSOMAL RECESSIVE, DUE TO PIK3R1 DEFECT. Identifiers: MedGen C3554689, MONDO:0014083, OMIM 615214.
Immunodeficiency 36 with lymphoproliferation. Also called: Immunodeficiency 36; ACTIVATED PI3K-DELTA SYNDROME 2; Activated PI3K Delta Syndrome Type 2 (APDS2). Identifiers: Orphanet 397596, Orphanet 693681, MedGen C4014934, MONDO:0014453, OMIM 616005.

Allele frequency attached by ClinVar (database versions not stated): TOPMed below 0.00001; gnomAD 0.00001.
gnomAD v4.1: 4 of 1,614,020 alleles (0.00025%); highest among the groups gnomAD compares: Non-Finnish European, 0.00034%; no homozygotes.

Submission:

Labcorp Genetics (formerly Invitae), Labcorp
Classification: Uncertain significance for SHORT syndrome; Immunodeficiency 36 with lymphoproliferation; Agammaglobulinemia 7, autosomal recessive. Last evaluated: 2023-01-18. Review status: criteria provided, single submitter. Criteria: Invitae Variant Classification Sherloc (09022015). Collection method: clinical testing. Allele origin: germline.
Comment: In summary, the available evidence is currently insufficient to determine the role of this variant in disease. Therefore, it has been classified as a Variant of Uncertain Significance. Algorithms developed to predict the effect of missense changes on protein structure and function are either unavailable or do not agree on the potential impact of this missense change (SIFT: "Deleterious"; PolyPhen-2: "Probably Damaging"; Align-GVGD: "Class C0"). This variant has not been reported in the literature in individuals affected with PIK3R1-related conditions. This variant is not present in population databases (gnomAD no frequency). This sequence change replaces proline, which is neutral and non-polar, with arginine, which is basic and polar, at codon 125 of the PIK3R1 protein (p.Pro125Arg).